The following is an entry in ClinVar:

NM_000059.4(BRCA2):c.4952C>A (p.Pro1651His)

Gene: BRCA2 (BRCA2 DNA repair associated; plus strand). Cytogenetic location: 13q13.1.
Variant type: single nucleotide variant.
Coding change: c.4952C>A on transcript NM_000059.4 (MANE Select); coding-DNA position 4952, C replaced by A.
Protein change: p.Pro1651His; replaces proline 1651 with histidine.
Molecular consequence: missense variant.
Genome position (GRCh38, 1-based): chr13:32,339,307, C>A. VCF-style: chr13-32339307-C-A. GRCh37 (hg19) VCF-style: chr13-32913444-C-A.
Other names: short protein forms P1651H.
Identifiers: ClinVar variation 655348 (VCV000655348.12), dbSNP rs565268514, ClinGen allele CA387783760.
Genomic context (GRCh38, chr13:32,339,307, plus strand): 5'-AAAGTATCTTTTTGAAAGTTAAAGTACATGAAAATGTAGAAAAAGAAACAGCAAAAAGTC[C>A]TGCAACTTGTTACACAAATCAGTCCCCTTATTCAGTCATTGAAAATTCAGCCTTAGCTTT-3'
Protein context (NP_000050.3, residues 1641-1661): ENVEKETAKS[Pro1651His]ATCYTNQSPY

ClinVar aggregate classification (germline): Conflicting classifications of pathogenicity. Review status: criteria provided, conflicting classifications (1 of 4 stars). 4 submissions from 4 submitters: Uncertain significance (3); Likely benign (1). Last evaluated 2025-10-14.

Conditions:
Hereditary cancer-predisposing syndrome. Also called: Hereditary neoplastic syndrome; Tumor predisposition; Neoplastic Syndromes, Hereditary; Hereditary Cancer Syndrome. Identifiers: Orphanet 140162, MedGen C0027672, MeSH D009386, MONDO:0015356.
Hereditary breast ovarian cancer syndrome. Also called: Hereditary breast and ovarian cancer; Hereditary breast and/or ovarian cancer syndrome; Breast and ovarian cancer; BRCA1- and BRCA2-Associated Hereditary Breast and Ovarian Cancer; Hereditary breast and ovarian cancer syndrome; Hereditary breast and ovarian cancer syndrome (HBOC). Identifiers: Orphanet 145, MedGen C0677776, MeSH D061325, MONDO:0003582. Disease mechanism: loss of function.

Submissions (4):

Labcorp Genetics (formerly Invitae), Labcorp
Classification: Uncertain significance for Hereditary breast ovarian cancer syndrome. Last evaluated: 2025-10-14. Review status: criteria provided, single submitter. Criteria: Invitae Variant Classification Sherloc (09022015). Collection method: clinical testing. Allele origin: germline.
Comment: This sequence change replaces proline, which is neutral and non-polar, with histidine, which is basic and polar, at codon 1651 of the BRCA2 protein (p.Pro1651His). This variant is not present in population databases (gnomAD no frequency). This variant has not been reported in the literature in individuals affected with BRCA2-related conditions. ClinVar contains an entry for this variant (Variation ID: 655348). Invitae Evidence Modeling of protein sequence and biophysical properties (such as structural, functional, and spatial information, amino acid conservation, physicochemical variation, residue mobility, and thermodynamic stability) indicates that this missense variant is not expected to disrupt BRCA2 protein function with a negative predictive value of 95%. In summary, the available evidence is currently insufficient to determine the role of this variant in disease. Therefore, it has been classified as a Variant of Uncertain Significance.

Ambry Genetics
Classification: Uncertain significance for Hereditary cancer-predisposing syndrome. Last evaluated: 2025-02-08. Review status: criteria provided, single submitter. Criteria: Ambry Variant Classification Scheme 2023. Collection method: clinical testing. Allele origin: germline.
Comment: The p.P1651H variant (also known as c.4952C>A), located in coding exon 10 of the BRCA2 gene, results from a C to A substitution at nucleotide position 4952. The proline at codon 1651 is replaced by histidine, an amino acid with similar properties. This amino acid position is not well conserved in available vertebrate species. In addition, this alteration is predicted to be tolerated by in silico analysis. Based on the available evidence, the clinical significance of this variant remains unclear.

University of Washington Department of Laboratory Medicine, University of Washington
Classification: Likely benign for Hereditary cancer-predisposing syndrome. Last evaluated: 2023-03-23. Review status: criteria provided, single submitter. Criteria: Dines et al. (Genet Med. 2020). Collection method: curation. Allele origin: germline.
Comment: Missense variant in a coldspot region where missense variants are very unlikely to be pathogenic (PMID:31911673).

BRCA2 exon 11 coldspot. Reclassification based on statistical prior probability.

GeneDx
Classification: Uncertain significance. Last evaluated: 2020-11-09. Review status: criteria provided, single submitter. Criteria: GeneDx Variant Classification Process June 2021. Collection method: clinical testing. Allele origin: germline. Affected: yes.
Comment: Has not been previously published as pathogenic or benign to our knowledge; Not observed in large population cohorts (Lek 2016); In silico analysis supports that this missense variant has a deleterious effect on protein structure/function; Also known as c.5180C>A